The following is an entry in ClinVar:

ClinVar aggregate classification (germline): Likely benign (1 of 4 stars; one submission).

Conditions:
Neonatal diabetes mellitus with congenital hypothyroidism. Also called: NDH SYNDROME. Identifiers: Orphanet 79118, MedGen C1857775, MONDO:0012436, OMIM 610199.

Allele frequency attached by ClinVar (database versions not stated): 1000 Genomes Project 0.00140; gnomAD 0.00140 and 0.00157; 1000 Genomes Project 30x 0.00156; TOPMed 0.00168.

Submission:

Illumina Laboratory Services, Illumina
Classification: Likely benign for Neonatal diabetes mellitus with congenital hypothyroidism. Last evaluated: 2018-01-13. Review status: criteria provided, single submitter. Criteria: ICSL Variant Classification Criteria 13 December 2019. Collection method: clinical testing. Allele origin: germline.
Comment: This variant was observed in the ICSL laboratory as part of a predisposition screen in an ostensibly healthy population. It had not been previously curated by ICSL or reported in the Human Gene Mutation Database (HGMD: prior to June 1st, 2018), and was therefore a candidate for classification through an automated scoring system. Utilizing variant allele frequency, disease prevalence and penetrance estimates, and inheritance mode, an automated score was calculated to assess if this variant is too frequent to cause the disease. Based on the score and internal cut-off values, a variant classified as likely benign is not then subjected to further curation. The score for this variant resulted in a classification of likely benign for this disease.

NM_001042413.2(GLIS3):c.*2850C>G

Gene: GLIS3 (GLIS family zinc finger 3; minus strand). Cytogenetic location: 9p24.2.
Variant type: single nucleotide variant.
Coding change: c.*2850C>G on transcript NM_001042413.2 (MANE Select); 2850 bases downstream of the stop codon, C replaced by G.
Molecular consequence: 3 prime UTR variant.
Genome position (GRCh38, 1-based): chr9:3,825,422, G>C on the plus strand (C>G on the coding strand, the complement: GLIS3 is on the minus strand). VCF-style: chr9-3825422-G-C. GRCh37 (hg19) VCF-style: chr9-3825422-G-C.
Other names: c.*2850C>G (NM_152629.4).
Identifiers: ClinVar variation 366907 (VCV000366907.5), dbSNP rs184008619, ClinGen allele CA10630130.